The following is an entry in ClinVar:

NM_000548.5(TSC2):c.3671A>G (p.Asn1224Ser)

Gene: TSC2 (TSC complex subunit 2; plus strand). Cytogenetic location: 16p13.3.
Variant type: single nucleotide variant.
Coding change: c.3671A>G on transcript NM_000548.5 (MANE Select); coding-DNA position 3671, A replaced by G.
Protein change: p.Asn1224Ser; replaces asparagine 1224 with serine.
Molecular consequence: missense variant.
Genome position (GRCh38, 1-based): chr16:2,081,655, A>G. VCF-style: chr16-2081655-A-G. GRCh37 (hg19) VCF-style: chr16-2131656-A-G.
Other names: c.3539A>G, p.Asn1180Ser (NM_001077183.3, NM_001370404.1); c.3671A>G, p.Asn1224Ser (NM_001114382.3); c.3431A>G, p.Asn1144Ser (NM_001318827.2); c.3395A>G, p.Asn1132Ser (NM_001318829.2); c.2939A>G, p.Asn980Ser (NM_001318831.2); c.3572A>G, p.Asn1191Ser (NM_001318832.2); c.3542A>G, p.Asn1181Ser (NM_001363528.2, NM_001370405.1, NM_021055.3); short protein forms N1181S, N1224S, N980S, N1132S, N1144S, N1180S, N1191S.
Identifiers: ClinVar variation 1375790 (VCV001375790.6), dbSNP rs1434962054, ClinGen allele CA394292202.

ClinVar aggregate classification (germline): Uncertain significance (1 of 4 stars; one submission).

Conditions:
Tuberous sclerosis 2 (TSC2). Identifiers: Orphanet 805, MedGen C1860707, MONDO:0013199, OMIM 613254.

gnomAD v4.1: 1 of 1,612,964 alleles (0.000062%); highest among the groups gnomAD compares: Non-Finnish European, 0.000085%; no homozygotes.

Submission:

Labcorp Genetics (formerly Invitae), Labcorp
Classification: Uncertain significance for Tuberous sclerosis 2. Last evaluated: 2025-08-11. Review status: criteria provided, single submitter. Criteria: Invitae Variant Classification Sherloc (09022015). Collection method: clinical testing. Allele origin: germline.
Comment: This sequence change replaces asparagine, which is neutral and polar, with serine, which is neutral and polar, at codon 1224 of the TSC2 protein (p.Asn1224Ser). This variant is not present in population databases (gnomAD no frequency). This variant has not been reported in the literature in individuals affected with TSC2-related conditions. ClinVar contains an entry for this variant (Variation ID: 1375790). Invitae Evidence Modeling of protein sequence and biophysical properties (such as structural, functional, and spatial information, amino acid conservation, physicochemical variation, residue mobility, and thermodynamic stability) indicates that this missense variant is not expected to disrupt TSC2 protein function with a negative predictive value of 95%. In summary, the available evidence is currently insufficient to determine the role of this variant in disease. Therefore, it has been classified as a Variant of Uncertain Significance.